The following is an entry in ClinVar:

ClinVar aggregate classification (germline): Uncertain significance (1 of 4 stars; one submission).

Allele frequency attached by ClinVar (database versions not stated): gnomAD exomes below 0.00001.

Submission:

Labcorp Genetics (formerly Invitae), Labcorp
Classification: Uncertain significance. Last evaluated: 2025-11-13. Review status: criteria provided, single submitter. Criteria: Invitae Variant Classification Sherloc (09022015). Collection method: clinical testing. Allele origin: germline.
Comment: This sequence change replaces glycine, which is neutral and non-polar, with serine, which is neutral and polar, at codon 547 of the FN1 protein (p.Gly547Ser). This variant is present in population databases (no rsID available, gnomAD 0.003%). This variant has not been reported in the literature in individuals affected with FN1-related conditions. ClinVar contains an entry for this variant (Variation ID: 1984079). An algorithm developed to predict the effect of missense changes on protein structure and function (PolyPhen-2) suggests that this variant is likely to be disruptive. In summary, the available evidence is currently insufficient to determine the role of this variant in disease. Therefore, it has been classified as a Variant of Uncertain Significance.

NM_212482.4(FN1):c.1639G>A (p.Gly547Ser)

Genes: FN1 (fibronectin 1; minus strand), LOC122861289 (Sharpr-MPRA regulatory region 10603; plus strand). Cytogenetic location: 2q35.
Variant type: single nucleotide variant.
Coding change: c.1639G>A on transcript NM_212482.4 (MANE Select); coding-DNA position 1639, G replaced by A.
Protein change: p.Gly547Ser; replaces glycine 547 with serine.
Molecular consequence: missense variant.
Genome position (GRCh38, 1-based): chr2:215,420,709, C>T on the plus strand (G>A on the coding strand, the complement: FN1 is on the minus strand). VCF-style: chr2-215420709-C-T. GRCh37 (hg19) VCF-style: chr2-216285432-C-T.
Other names: c.1639G>A, p.Gly547Ser (NM_001306129.2, NM_001306130.2, NM_001306131.2 and 14 more transcripts); short protein forms G547S.
Identifiers: ClinVar variation 1984079 (VCV001984079.4), dbSNP rs1421059425, ClinGen allele CA350468218.